The following is an entry in ClinVar:

ClinVar aggregate classification (germline): Uncertain significance. Review status: criteria provided, multiple submitters, no conflicts (2 of 4 stars). 2 submissions from 2 submitters: Uncertain significance (2). Last evaluated 2024-02-19.

Conditions:
Developmental and epileptic encephalopathy, 23 (DEE23). Also called: Epileptic encephalopathy, early infantile, 23. Identifiers: Orphanet 411986, MedGen C4014492, MONDO:0014371, OMIM 615859.

Allele frequency attached by ClinVar (database versions not stated): ExAC 0.00001; gnomAD 0.00001; gnomAD exomes 0.00001; TOPMed 0.00002.
gnomAD v4.1: 19 of 1,613,862 alleles (0.0012%); highest among the groups gnomAD compares: Non-Finnish European, 0.0016%; no homozygotes.

Submissions (2):

Women's Health and Genetics/Laboratory Corporation of America, LabCorp
Classification: Uncertain significance. Last evaluated: 2024-02-19. Review status: criteria provided, single submitter. Criteria: LabCorp Variant Classification Summary - May 2015. Collection method: clinical testing. Allele origin: germline.
Comment: Variant summary: DOCK7 c.2516A>G (p.His839Arg) results in a non-conservative amino acid change in the encoded protein sequence. Three of five in-silico tools predict a benign effect of the variant on protein function. The variant allele was found at a frequency of 1.2e-05 in 251254 control chromosomes. The available data on variant occurrences in the general population are insufficient to allow any conclusion about variant significance. To our knowledge, no occurrence of c.2516A>G in individuals affected with Developmental And Epileptic Encephalopathy, 23 and no experimental evidence demonstrating its impact on protein function have been reported. ClinVar contains an entry for this variant (Variation ID: 566731). Based on the evidence outlined above, the variant was classified as uncertain significance.

Labcorp Genetics (formerly Invitae), Labcorp
Classification: Uncertain significance for Developmental and epileptic encephalopathy, 23. Last evaluated: 2021-08-26. Review status: criteria provided, single submitter. Criteria: Invitae Variant Classification Sherloc (09022015). Collection method: clinical testing. Allele origin: germline.
Comment: This sequence change replaces histidine with arginine at codon 839 of the DOCK7 protein (p.His839Arg). The histidine residue is highly conserved and there is a small physicochemical difference between histidine and arginine. This variant is present in population databases (rs778470902, ExAC 0.001%). This variant has not been reported in the literature in individuals affected with DOCK7-related conditions. Algorithms developed to predict the effect of missense changes on protein structure and function are either unavailable or do not agree on the potential impact of this missense change (SIFT: "Deleterious"; PolyPhen-2: "Benign"; Align-GVGD: "Class C0"). In summary, the available evidence is currently insufficient to determine the role of this variant in disease. Therefore, it has been classified as a Variant of Uncertain Significance.

NM_001367561.1(DOCK7):c.2516A>G (p.His839Arg)

Gene: DOCK7 (dedicator of cytokinesis 7; minus strand). Cytogenetic location: 1p31.3.
Variant type: single nucleotide variant.
Coding change: c.2516A>G on transcript NM_001367561.1 (MANE Select); coding-DNA position 2516, A replaced by G.
Protein change: p.His839Arg; replaces histidine 839 with arginine.
Molecular consequence: missense variant.
Genome position (GRCh38, 1-based): chr1:62,555,905, T>C on the plus strand (A>G on the coding strand, the complement: DOCK7 is on the minus strand). VCF-style: chr1-62555905-T-C. GRCh37 (hg19) VCF-style: chr1-63021576-T-C.
Other names: c.2516A>G, p.His839Arg (NM_001271999.2, NM_001272000.2, NM_001272001.2 and 2 more transcripts); short protein forms H839R.
Identifiers: ClinVar variation 566731 (VCV000566731.8), dbSNP rs778470902, ClinGen allele CA886251.
Genomic context (GRCh38, chr1:62,555,905, plus strand): 5'-TAAGTATTTGGTAGGCGGAAAACATAATGAATATATGATGCAAGAAGGCTGTTTCTGCCA[T>C]GCTGGTCATGATTTCCTTCCAAGTTTTTGTGAAGTCGATTTATAATTGATGCCATGGCTT-3'
Protein context (NP_001354490.1, residues 829-849): HKNLEGNHDQ[His839Arg]GRNSLLASYI